The following is an entry in ClinVar:

NM_004281.4(BAG3):c.1114C>T (p.Pro372Ser)

Gene: BAG3 (BAG cochaperone 3; plus strand). Cytogenetic location: 10q26.11.
Variant type: single nucleotide variant.
Coding change: c.1114C>T on transcript NM_004281.4 (MANE Select); coding-DNA position 1114, C replaced by T.
Protein change: p.Pro372Ser; replaces proline 372 with serine.
Molecular consequence: missense variant.
Genome position (GRCh38, 1-based): chr10:119,676,668, C>T. VCF-style: chr10-119676668-C-T. GRCh37 (hg19) VCF-style: chr10-121436180-C-T.
Other names: short protein forms P372S.
Identifiers: ClinVar variation 2049380 (VCV002049380.7), dbSNP rs1270108291, ClinGen allele CA378296661.
Genomic context (GRCh38, chr10:119,676,668, plus strand): 5'-TCCCAGAAGCCCCCACCTCCCTCTGAGAAGGTAGAGGTGAAAGTTCCCCCTGCTCCAGTT[C>T]CTTGTCCTCCTCCCAGCCCTGGCCCTTCTGCTGTCCCCTCTTCCCCCAAGAGTGTGGCTA-3'
Protein context (NP_004272.2, residues 362-382): VEVKVPPAPV[Pro372Ser]CPPPSPGPSA

ClinVar aggregate classification (germline): Uncertain significance. Review status: criteria provided, multiple submitters, no conflicts (2 of 4 stars). 2 submissions from 2 submitters: Uncertain significance (2). Last evaluated 2023-11-17.

Conditions:
Dilated cardiomyopathy 1HH (CMD1HH). Identifiers: Orphanet 154, MedGen C3151293, MONDO:0013479, OMIM 613881.
Myofibrillar myopathy 6. Identifiers: Orphanet 199340, MedGen C2751831, MONDO:0013061, OMIM 612954.

gnomAD v4.1: 1 of 1,614,182 alleles (0.000062%); highest among the groups gnomAD compares: East Asian, 0.0022%; no homozygotes.

Submissions (2):

Labcorp Genetics (formerly Invitae), Labcorp
Classification: Uncertain significance for Dilated cardiomyopathy 1HH; Myofibrillar myopathy 6. Last evaluated: 2023-11-17. Review status: criteria provided, single submitter. Criteria: Invitae Variant Classification Sherloc (09022015). Collection method: clinical testing. Allele origin: germline.
Comment: This sequence change replaces proline, which is neutral and non-polar, with serine, which is neutral and polar, at codon 372 of the BAG3 protein (p.Pro372Ser). This variant is not present in population databases (gnomAD no frequency). This variant has not been reported in the literature in individuals affected with BAG3-related conditions. ClinVar contains an entry for this variant (Variation ID: 2049380). Advanced modeling of protein sequence and biophysical properties (such as structural, functional, and spatial information, amino acid conservation, physicochemical variation, residue mobility, and thermodynamic stability) performed at Invitae indicates that this missense variant is not expected to disrupt BAG3 protein function with a negative predictive value of 80%. In summary, the available evidence is currently insufficient to determine the role of this variant in disease. Therefore, it has been classified as a Variant of Uncertain Significance.

Revvity Omics, Revvity
Classification: Uncertain significance. Last evaluated: 2022-04-22. Review status: criteria provided, single submitter. Criteria: ACMG Guidelines, 2015. Collection method: clinical testing. Allele origin: germline.